The following is an entry in ClinVar:

NM_000179.3(MSH6):c.3372T>C (p.Asn1124=)

Gene: MSH6 (mutS homolog 6; plus strand). Cytogenetic location: 2p16.3.
Variant type: single nucleotide variant.
Coding change: c.3372T>C on transcript NM_000179.3 (MANE Select); coding-DNA position 3372, T replaced by C.
Protein change: p.Asn1124=; no amino-acid change (asparagine 1124 retained).
Molecular consequence: synonymous variant.
Genome position (GRCh38, 1-based): chr2:47,803,619, T>C. VCF-style: chr2-47803619-T-C. GRCh37 (hg19) VCF-style: chr2-48030758-T-C.
Other names: c.2982T>C, p.Asn994= (NM_001281492.2); c.2466T>C, p.Asn822= (NM_001281493.2, NM_001281494.2).
Identifiers: ClinVar variation 1129625 (VCV001129625.12), dbSNP rs2104482944, ClinGen allele CA426122025.

ClinVar aggregate classification (germline): Benign/Likely benign. Review status: criteria provided, multiple submitters, no conflicts (2 of 4 stars). 3 submissions from 3 submitters: Benign (1); Likely benign (2). Last evaluated 2025-01-06.

Conditions:
Hereditary nonpolyposis colorectal neoplasms. Identifiers: MedGen C0009405, MeSH D003123.
Hereditary cancer-predisposing syndrome. Also called: Hereditary neoplastic syndrome; Hereditary Cancer Syndrome; Tumor predisposition; Neoplastic Syndromes, Hereditary. Identifiers: Orphanet 140162, MedGen C0027672, MeSH D009386, MONDO:0015356.
Lynch syndrome 5 (LYNCH5). Also called: Colorectal cancer, hereditary nonpolyposis, type 5; Hereditary non-polyposis colorectal cancer, type 5. Identifiers: Orphanet 144, MedGen C1833477, MONDO:0013710, OMIM 614350. Disease mechanism: loss of function.

Allele frequency attached by ClinVar (database versions not stated): gnomAD exomes below 0.00001.
gnomAD v4.1: 3 of 1,614,130 alleles (0.00019%); highest among the groups gnomAD compares: Non-Finnish European, 0.00025%; no homozygotes.

Submissions (3):

Myriad Genetics, Inc.
Classification: Benign for Lynch syndrome 5. Last evaluated: 2025-01-06. Review status: criteria provided, single submitter. Criteria: Myriad Autosomal Dominant, Autosomal Recessive and X-Linked Classification Criteria (2023). Collection method: clinical testing. Allele origin: unknown.
Comment: This variant is considered benign. This variant is a silent/synonymous amino acid change and it is not expected to impact splicing.

Ambry Genetics
Classification: Likely benign for Hereditary cancer-predisposing syndrome. Last evaluated: 2021-03-27. Review status: criteria provided, single submitter. Criteria: Ambry Variant Classification Scheme 2023. Collection method: clinical testing. Allele origin: germline.

Labcorp Genetics (formerly Invitae), Labcorp
Classification: Likely benign for Hereditary nonpolyposis colorectal neoplasms. Last evaluated: 2019-10-29. Review status: criteria provided, single submitter. Criteria: Invitae Variant Classification Sherloc (09022015). Collection method: clinical testing. Allele origin: germline.